The following is an entry in ClinVar:

ClinVar aggregate classification (germline): Uncertain significance (1 of 4 stars; one submission).

Conditions:
Inborn genetic diseases. Identifiers: MedGen C0950123, MeSH D030342.

Allele frequency attached by ClinVar (database versions not stated): gnomAD exomes 0.00001.

Submission:

Ambry Genetics
Classification: Uncertain significance for Inborn genetic diseases. Last evaluated: 2024-03-15. Review status: criteria provided, single submitter. Criteria: Ambry Variant Classification Scheme 2023. Collection method: clinical testing. Allele origin: germline.
Comment: The p.E313K variant (also known as c.937G>A), located in coding exon 9 of the MDH2 gene, results from a G to A substitution at nucleotide position 937. The glutamic acid at codon 313 is replaced by lysine, an amino acid with similar properties. This amino acid position is conserved. In addition, the in silico prediction for this alteration is inconclusive. Since supporting evidence is limited at this time, the clinical significance of this alteration remains unclear.

NM_005918.4(MDH2):c.937G>A (p.Glu313Lys)

Gene: MDH2 (malate dehydrogenase 2; plus strand). Cytogenetic location: 7q11.23.
Variant type: single nucleotide variant.
Coding change: c.937G>A on transcript NM_005918.4 (MANE Select); coding-DNA position 937, G replaced by A.
Protein change: p.Glu313Lys; replaces glutamic acid 313 with lysine.
Molecular consequence: missense variant.
Genome position (GRCh38, 1-based): chr7:76,066,330, G>A. VCF-style: chr7-76066330-G-A. GRCh37 (hg19) VCF-style: chr7-75695648-G-A.
Other names: c.811G>A, p.Glu271Lys (NM_001282403.2); c.616G>A, p.Glu206Lys (NM_001282404.2); short protein forms E271K, E206K, E313K.
Identifiers: ClinVar variation 1766737 (VCV001766737.2), dbSNP rs1554587881, ClinGen allele CA367769858.